The following is an entry in ClinVar:

NM_002528.7(NTHL1):c.296A>C (p.Asp99Ala)

Gene: NTHL1 (nth like DNA glycosylase 1; minus strand). Cytogenetic location: 16p13.3.
Variant type: single nucleotide variant.
Coding change: c.296A>C on transcript NM_002528.7 (MANE Select); coding-DNA position 296, A replaced by C.
Protein change: p.Asp99Ala; replaces aspartic acid 99 with alanine.
Molecular consequence: missense variant. On other transcripts: intron variant (1).
Genome position (GRCh38, 1-based): chr16:2,046,186, T>G on the plus strand (A>C on the coding strand, the complement: NTHL1 is on the minus strand). VCF-style: chr16-2046186-T-G. GRCh37 (hg19) VCF-style: chr16-2096187-T-G.
Other names: c.296A>C, p.Asp99Ala (NM_001318193.2); c.24+94A>C (NM_001318194.2); short protein forms D99A.
Identifiers: ClinVar variation 948307 (VCV000948307.13), dbSNP rs959911360, ClinGen allele CA276765608.

ClinVar aggregate classification (germline): Uncertain significance. Review status: criteria provided, multiple submitters, no conflicts (2 of 4 stars). 2 submissions from 2 submitters: Uncertain significance (2). Last evaluated 2026-01-12.

Conditions:
Hereditary cancer-predisposing syndrome. Also called: Hereditary neoplastic syndrome; Neoplastic Syndromes, Hereditary; Tumor predisposition; Hereditary Cancer Syndrome. Identifiers: Orphanet 140162, MedGen C0027672, MeSH D009386, MONDO:0015356.

Allele frequency attached by ClinVar (database versions not stated): gnomAD exomes below 0.00001; gnomAD 0.00001; TOPMed 0.00001.
gnomAD v4.1: 3 of 1,613,104 alleles (0.00019%); highest among the groups gnomAD compares: African/African-American, 0.004%; no homozygotes.

Submissions (2):

Labcorp Genetics (formerly Invitae), Labcorp
Classification: Uncertain significance. Last evaluated: 2026-01-12. Review status: criteria provided, single submitter. Criteria: Invitae Variant Classification Sherloc (09022015). Collection method: clinical testing. Allele origin: germline.
Comment: This sequence change replaces aspartic acid, which is acidic and polar, with alanine, which is neutral and non-polar, at codon 107 of the NTHL1 protein (p.Asp107Ala). This variant is present in population databases (no rsID available, gnomAD 0.01%). This variant has not been reported in the literature in individuals affected with NTHL1-related conditions. ClinVar contains an entry for this variant (Variation ID: 948307). An algorithm developed to predict the effect of missense changes on protein structure and function (PolyPhen-2) suggests that this variant is likely to be tolerated. In summary, the available evidence is currently insufficient to determine the role of this variant in disease. Therefore, it has been classified as a Variant of Uncertain Significance.

Ambry Genetics
Classification: Uncertain significance for Hereditary cancer-predisposing syndrome. Last evaluated: 2024-12-26. Review status: criteria provided, single submitter. Criteria: Ambry Variant Classification Scheme 2023. Collection method: clinical testing. Allele origin: germline.
Comment: The p.D107A variant (also known as c.320A>C), located in coding exon 2 of the NTHL1 gene, results from an A to C substitution at nucleotide position 320. The aspartic acid at codon 107 is replaced by alanine, an amino acid with dissimilar properties. This amino acid position is conserved. In addition, this alteration is predicted to be deleterious by in silico analysis. Since supporting evidence is limited at this time, the clinical significance of this alteration remains unclear.